The following is an entry in ClinVar:

ClinVar aggregate classification (germline): Likely benign. Review status: criteria provided, single submitter (1 of 4 stars). 2 submissions from 2 submitters: Likely benign (1). 1 of the submissions does not count toward it. Last evaluated 2025-12-08.

Conditions:
Congenital myasthenic syndrome 11. Also called: MYASTHENIC SYNDROME, CONGENITAL, Ie; Myasthenic syndrome, congenital, 11, associated with acetylcholine receptor deficiency. Identifiers: Orphanet 590, MedGen C4225367, MONDO:0014588, OMIM 616326.
Fetal akinesia deformation sequence 1 (FADS1). Also called: Fetal akinesia sequence; Pena-Shokeir syndrome type I. Identifiers: Orphanet 994, MedGen C1276035, MONDO:0100101, OMIM 208150, HP:0001989.
RAPSN-related disorder. Also called: RAPSN-related disorders; RAPSN-related condition. Identifiers: MedGen CN239397.

Allele frequency attached by ClinVar (database versions not stated): TOPMed 0.00002; gnomAD 0.00003.

Submissions (2):

Labcorp Genetics (formerly Invitae), Labcorp
Classification: Likely benign for Congenital myasthenic syndrome 11; Fetal akinesia deformation sequence 1. Last evaluated: 2025-12-08. Review status: criteria provided, single submitter. Criteria: Invitae Variant Classification Sherloc (09022015). Collection method: clinical testing. Allele origin: germline.

PreventionGenetics, part of Exact Sciences
Classification: Likely benign for RAPSN-related condition. Last evaluated: 2019-09-04. Review status: no assertion criteria provided. Collection method: clinical testing. Allele origin: germline. Not counted in ClinVar's aggregate classification.
Comment: This variant is classified as likely benign based on ACMG/AMP sequence variant interpretation guidelines (Richards et al. 2015 PMID: 25741868, with internal and published modifications).

NM_005055.5(RAPSN):c.246C>T (p.Leu82=)

Gene: RAPSN (receptor associated protein of the synapse; minus strand). Cytogenetic location: 11p11.2.
Variant type: single nucleotide variant.
Coding change: c.246C>T on transcript NM_005055.5 (MANE Select); coding-DNA position 246, C replaced by T.
Protein change: p.Leu82=; no amino-acid change (leucine 82 retained).
Molecular consequence: synonymous variant.
Genome position (GRCh38, 1-based): chr11:47,448,097, G>A on the plus strand (C>T on the coding strand, the complement: RAPSN is on the minus strand). VCF-style: chr11-47448097-G-A. GRCh37 (hg19) VCF-style: chr11-47469649-G-A.
Other names: c.246C>T, p.Leu82= (NM_032645.5).
Identifiers: ClinVar variation 721794 (VCV000721794.13), dbSNP rs780420252, ClinGen allele CA5976774.
Genomic context (GRCh38, chr11:47,448,097, plus strand): 5'-GGTCTTGTGAAACTCGCACAGCTTCTCGTTGCTGCGTGCCAGGTTCAGGTAGCTCTCCAG[G>A]AGGAAGTCGGCATCCTCCAGCTCCCGGGCCGTGTCGATCTGGACCACAGCGAACTGCACA-3'
Protein context (NP_005046.2, residues 72-92): TARELEDADF[Leu82=]LESYLNLARS